The following is an entry in ClinVar:

NM_007294.4(BRCA1):c.951A>G (p.Gln317=)

Gene: BRCA1 (BRCA1 DNA repair associated; minus strand). Cytogenetic location: 17q21.31.
Variant type: single nucleotide variant.
Coding change: c.951A>G on transcript NM_007294.4 (MANE Select); coding-DNA position 951, A replaced by G.
Protein change: p.Gln317=; no amino-acid change (glutamine 317 retained).
Molecular consequence: synonymous variant. On other transcripts: intron variant (137).
Genome position (GRCh38, 1-based): chr17:43,094,580, T>C on the plus strand (A>G on the coding strand, the complement: BRCA1 is on the minus strand). VCF-style: chr17-43094580-T-C. GRCh37 (hg19) VCF-style: chr17-41246597-T-C.
Other names: c.615A>G, p.Gln205= (NM_001407954.1, NM_001407955.1, NM_001407956.1 and 1 more transcripts); c.618A>G, p.Gln206= (NM_001407957.1, NM_001407946.1, NM_001407947.1 and 6 more transcripts); c.570A>G, p.Gln190= (NM_001407959.1, NM_001407960.1, NM_001407963.1); c.567A>G, p.Gln189= (NM_001407962.1); c.807A>G, p.Gln269= (NM_001407964.1, NM_001407740.1, NM_001407741.1 and 20 more transcripts); c.447A>G, p.Gln149= (NM_001407965.1); c.63A>G, p.Gln21= (NM_001407966.1, NM_001407967.1); c.810A>G, p.Gln270= (NM_007297.4, NM_001407692.1, NM_001407694.1 and 29 more transcripts); and 40 more.
Identifiers: ClinVar variation 219860 (VCV000219860.21), dbSNP rs759419385, ClinGen allele CA056919.

ClinVar aggregate classification (germline): Likely benign. Review status: reviewed by expert panel (3 of 4 stars). 8 submissions from 8 submitters: Likely benign (1). 7 of the submissions do not count toward it. Last evaluated 2017-06-29.

Conditions:
Breast-ovarian cancer, familial, susceptibility to, 1 (BROVCA1). Also called: BRCA1 Hereditary Breast and Ovarian Cancer; OVARIAN CANCER, SUSCEPTIBILITY TO. Identifiers: Orphanet 145, MedGen C2676676, MONDO:0011450, OMIM 604370. Disease mechanism: loss of function.
Hereditary breast ovarian cancer syndrome. Also called: Breast and ovarian cancer; Hereditary breast and ovarian cancer; Hereditary breast and ovarian cancer syndrome; Hereditary breast and/or ovarian cancer syndrome; BRCA1- and BRCA2-Associated Hereditary Breast and Ovarian Cancer; Hereditary breast and ovarian cancer syndrome (HBOC). Identifiers: Orphanet 145, MedGen C0677776, MeSH D061325, MONDO:0003582. Disease mechanism: loss of function.
Hereditary cancer-predisposing syndrome. Also called: Tumor predisposition; Hereditary Cancer Syndrome; Neoplastic Syndromes, Hereditary; Hereditary neoplastic syndrome. Identifiers: Orphanet 140162, MedGen C0027672, MeSH D009386, MONDO:0015356.

Allele frequency attached by ClinVar (database versions not stated): gnomAD exomes below 0.00001; ExAC 0.00001.
gnomAD v4.1: 3 of 1,614,226 alleles (0.00019%); highest among the groups gnomAD compares: East Asian, 0.0045%; no homozygotes.

Submissions (8):

Evidence-based Network for the Interpretation of Germline Mutant Alleles (ENIGMA)
Classification: Likely benign for Breast-ovarian cancer, familial, susceptibility to, 1. Last evaluated: 2017-06-29. Review status: reviewed by expert panel. Criteria: ENIGMA BRCA1/2 Classification Criteria (2017-06-29). Collection method: curation. Allele origin: germline.
Comment: Synonymous substitution variant, with low bioinformatic likelihood to result in a splicing aberration (Splicing prior probability 0.02).

Labcorp Genetics (formerly Invitae), Labcorp
Classification: Likely benign for Hereditary breast ovarian cancer syndrome. Last evaluated: 2025-11-10. Review status: criteria provided, single submitter. Criteria: Invitae Variant Classification Sherloc (09022015). Collection method: clinical testing. Allele origin: germline. Not counted in ClinVar's aggregate classification.

All of Us Research Program, National Institutes of Health
Classification: Likely benign for Breast-ovarian cancer, familial, susceptibility to, 1. Last evaluated: 2023-08-15. Review status: criteria provided, single submitter. Criteria: ACMG Guidelines, 2015. Collection method: clinical testing. Allele origin: germline. Inheritance: Autosomal dominant inheritance. Observed: 1 variant allele, 1 heterozygote. Not counted in ClinVar's aggregate classification.
Comment: This study involves interpretation of variants in research participants for the purpose of population health screening. Participant phenotype was not available at the time of variant classification. Additional details can be found in publication PMID: 35346344, PMCID: PMC8962531

Women's Health and Genetics/Laboratory Corporation of America, LabCorp
Classification: Likely benign. Last evaluated: 2018-05-25. Review status: criteria provided, single submitter. Criteria: LabCorp Variant Classification Summary - May 2015. Collection method: clinical testing. Allele origin: germline. Not counted in ClinVar's aggregate classification.
Comment: Variant summary: BRCA1 c.951A>G alters a non-conserved nucleotide resulting in a synonymous change. 5/5 computational tools predict no significant impact on normal splicing. However, these predictions have yet to be confirmed by functional studies. The variant allele was found at a frequency of 8.2e-06 in 121408 control chromosomes, predominantly at a frequency of 1.5e-05 within the Non-Finnish European subpopulation in the ExAC database. The available data on variant occurrences in the general population are insufficient to allow any conclusion about variant significance. c.951A>G has been reported in the literature in individuals affected with Hereditary Breast and Ovarian Cancer. These report(s) cite the variant as unlikely to be associated with Hereditary Breast and Ovarian Cancer (Judkins_2005). To our knowledge, no experimental evidence demonstrating an impact on protein function has been reported. Five clinical diagnostic laboratories have submitted clinical-significance assessments for this variant to ClinVar after 2014 without evidence for independent evaluation. All laboratories classified the variant as benign/likely benign. Based on the evidence outlined above, the variant was classified as likely benign.

GeneDx
Classification: Likely benign. Last evaluated: 2018-02-22. Review status: criteria provided, single submitter. Criteria: GeneDx Variant Classification (06012015). Collection method: clinical testing. Allele origin: germline. Affected: yes. Not counted in ClinVar's aggregate classification.
Comment: This variant is considered likely benign or benign based on one or more of the following criteria: it is a conservative change, it occurs at a poorly conserved position in the protein, it is predicted to be benign by multiple in silico algorithms, and/or has population frequency not consistent with disease.

PreventionGenetics, part of Exact Sciences
Classification: Likely benign. Last evaluated: 2017-12-19. Review status: criteria provided, single submitter. Criteria: ACMG Guidelines, 2015. Collection method: clinical testing. Allele origin: germline. Not counted in ClinVar's aggregate classification.

Color Diagnostics, LLC DBA Color Health
Classification: Likely benign for Hereditary cancer-predisposing syndrome. Last evaluated: 2017-01-03. Review status: criteria provided, single submitter. Criteria: ACMG Guidelines, 2015. Collection method: clinical testing. Allele origin: germline. Not counted in ClinVar's aggregate classification.

Ambry Genetics
Classification: Likely benign for Hereditary cancer-predisposing syndrome. Last evaluated: 2016-01-08. Review status: criteria provided, single submitter. Criteria: Ambry Variant Classification Scheme 2023. Collection method: clinical testing. Allele origin: germline. Not counted in ClinVar's aggregate classification.

Literature cited by the submitters: PubMed 15829246 (cited by Women's Health and Genetics/Laboratory Corporation of America, LabCorp).